The following is an entry in ClinVar:

NM_001164508.2(NEB):c.17972A>G (p.Glu5991Gly)

Gene: NEB (nebulin; minus strand). Cytogenetic location: 2q23.3.
Variant type: single nucleotide variant.
Coding change: c.17972A>G on transcript NM_001164508.2 (MANE Select); coding-DNA position 17972, A replaced by G.
Protein change: p.Glu5991Gly; replaces glutamic acid 5991 with glycine.
Molecular consequence: missense variant.
Genome position (GRCh38, 1-based): chr2:151,567,352, T>C on the plus strand (A>G on the coding strand, the complement: NEB is on the minus strand). VCF-style: chr2-151567352-T-C. GRCh37 (hg19) VCF-style: chr2-152423866-T-C.
Other names: c.17972A>G, p.Glu5991Gly (NM_001164507.2, NM_001271208.2); c.12869A>G, p.Glu4290Gly (NM_004543.5); short protein forms E4290G, E5991G.
Identifiers: ClinVar variation 3364465 (VCV003364465.1).

ClinVar aggregate classification (germline): Uncertain significance (1 of 4 stars; one submission).

Submission:

GeneDx
Classification: Uncertain significance. Last evaluated: 2023-11-20. Review status: criteria provided, single submitter. Criteria: GeneDx Variant Classification Process June 2021. Collection method: clinical testing. Allele origin: germline. Affected: yes.
Comment: Not observed at significant frequency in large population cohorts (gnomAD); In silico analysis supports that this missense variant has a deleterious effect on protein structure/function; Has not been previously published as pathogenic or benign to our knowledge